The following is an entry in ClinVar:

NM_001308093.3(GATA4):c.870G>T (p.Glu290Asp)

Gene: GATA4 (GATA binding protein 4). Cytogenetic location: 8p23.1.
Variant type: single nucleotide variant.
Coding change: c.870G>T on transcript NM_001308093.3 (MANE Select); coding-DNA position 870, G replaced by T.
Protein change: p.Glu290Asp; replaces glutamic acid 290 with aspartic acid.
Molecular consequence: missense variant. On other transcripts: intron variant (1).
Genome position (GRCh38, 1-based): chr8:11,750,194, G>T. VCF-style: chr8-11750194-G-T. GRCh37 (hg19) VCF-style: chr8-11607703-G-T.
Other names: c.249G>T, p.Glu83Asp (NM_001308094.2, NM_001374273.1); c.867G>T, p.Glu289Asp (NM_002052.5); c.165+1109G>T (NM_001374274.1); short protein forms E289D, E290D, E83D.
Identifiers: ClinVar variation 1312354 (VCV001312354.2), dbSNP rs2130313374, ClinGen allele CA370313071.

ClinVar aggregate classification (germline): Uncertain significance (1 of 4 stars; one submission).

Submission:

GeneDx
Classification: Uncertain significance. Last evaluated: 2019-09-12. Review status: criteria provided, single submitter. Criteria: GeneDx Variant Classification Process June 2021. Collection method: clinical testing. Allele origin: germline. Affected: yes.
Comment: Has not been previously published as pathogenic or benign to our knowledge; Not observed in large population cohorts (Lek et al., 2016); In silico analysis, which includes protein predictors and evolutionary conservation, supports a deleterious effect